The following is an entry in ClinVar:

ClinVar aggregate classification (germline): Likely benign (1 of 4 stars; one submission).

Conditions:
HERC2-related disorder. Also called: HERC2-related condition.

gnomAD v4.1: 94 of 1,614,174 alleles (0.0058%); highest among the groups gnomAD compares: African/African-American, 0.11%; no homozygotes.

Submission:

PreventionGenetics, part of Exact Sciences
Classification: Likely benign for HERC2-related condition. Last evaluated: 2026-08-18. Review status: criteria provided, single submitter. Criteria: ACMG Guidelines, 2015. Collection method: clinical testing. Allele origin: germline.
Comment: This variant is classified as likely benign based on ACMG/AMP sequence variant interpretation guidelines (Richards et al. 2015 PMID: 25741868, with internal and published modifications).

NM_004667.6(HERC2):c.12087A>G (p.Thr4029=)

Gene: HERC2 (HECT and RLD domain containing E3 ubiquitin protein ligase 2; minus strand). Cytogenetic location: 15q13.1.
Variant type: single nucleotide variant.
Coding change: c.12087A>G on transcript NM_004667.6 (MANE Select); coding-DNA position 12087, A replaced by G.
Protein change: p.Thr4029=; no amino-acid change (threonine 4029 retained).
Molecular consequence: synonymous variant.
Genome position (GRCh38, 1-based): chr15:28,135,621, T>C on the plus strand (A>G on the coding strand, the complement: HERC2 is on the minus strand). VCF-style: chr15-28135621-T-C. GRCh37 (hg19) VCF-style: chr15-28380767-T-C.
Identifiers: ClinVar variation 4984879 (VCV004984879.1).